The following is an entry in ClinVar:

NM_000817.3(GAD1):c.1773C>A (p.Gly591=)

Gene: GAD1 (glutamate decarboxylase 1; plus strand). Cytogenetic location: 2q31.1.
Variant type: single nucleotide variant.
Coding change: c.1773C>A on transcript NM_000817.3 (MANE Select); coding-DNA position 1773, C replaced by A.
Protein change: p.Gly591=; no amino-acid change (glycine 591 retained).
Molecular consequence: synonymous variant.
Genome position (GRCh38, 1-based): chr2:170,859,870, C>A. VCF-style: chr2-170859870-C-A. GRCh37 (hg19) VCF-style: chr2-171716380-C-A.
Identifiers: ClinVar variation 1081605 (VCV001081605.34), dbSNP rs202061730, ClinGen allele CA1963037.

ClinVar aggregate classification (germline): Likely benign. Review status: criteria provided, multiple submitters, no conflicts (2 of 4 stars). 2 submissions from 2 submitters: Likely benign (2). Last evaluated 2022-10-25.

Conditions:
Neurodevelopmental disorder with progressive spasticity and brain white matter abnormalities. Also called: CEREBRAL PALSY, SPASTIC QUADRIPLEGIC, 1. Identifiers: Orphanet 210141, Orphanet 641353, MedGen C5436628, MONDO:0033613, OMIM 619026.

Allele frequency attached by ClinVar (database versions not stated): gnomAD exomes 0.00001 and 0.00002; ExAC 0.00003; ESP Exome Variant Server 0.00015; 1000 Genomes Project 30x 0.00016; TOPMed 0.00018; gnomAD 0.00019 and 0.00020; 1000 Genomes Project 0.00020.
gnomAD v4.1: 50 of 1,614,058 alleles (0.0031%); highest among the groups gnomAD compares: African/African-American, 0.063%; no homozygotes.

Submissions (2):

Labcorp Genetics (formerly Invitae), Labcorp
Classification: Likely benign for Neurodevelopmental disorder with progressive spasticity and brain white matter abnormalities. Last evaluated: 2022-10-25. Review status: criteria provided, single submitter. Criteria: Invitae Variant Classification Sherloc (09022015). Collection method: clinical testing. Allele origin: germline.

CeGaT Center for Human Genetics Tuebingen
Classification: Likely benign. Last evaluated: 2022-10-01. Review status: criteria provided, single submitter. Criteria: CeGaT Center For Human Genetics Tuebingen Variant Classification Criteria Version 2. Collection method: clinical testing. Allele origin: germline. Affected: yes. Observed: 1 variant allele.
Comment: GAD1: BP4, BP7